The following is an entry in ClinVar:

NM_139242.4(MTFMT):c.916C>A (p.Leu306Ile)

Gene: MTFMT (mitochondrial methionyl-tRNA formyltransferase; minus strand). Cytogenetic location: 15q22.31.
Variant type: single nucleotide variant.
Coding change: c.916C>A on transcript NM_139242.4 (MANE Select); coding-DNA position 916, C replaced by A.
Protein change: p.Leu306Ile; replaces leucine 306 with isoleucine.
Molecular consequence: missense variant.
Genome position (GRCh38, 1-based): chr15:65,004,913, G>T on the plus strand (C>A on the coding strand, the complement: MTFMT is on the minus strand). VCF-style: chr15-65004913-G-T. GRCh37 (hg19) VCF-style: chr15-65297251-G-T.
Other names: short protein forms L306I.
Identifiers: ClinVar variation 4625279 (VCV004625279.2).

ClinVar aggregate classification (germline): Conflicting classifications of pathogenicity. Review status: criteria provided, conflicting classifications (1 of 4 stars). 2 submissions from 2 submitters: Uncertain significance (1); Likely benign (1). Last evaluated 2026-07-01.

Conditions:
Inborn genetic diseases. Identifiers: MedGen C0950123, MeSH D030342.

gnomAD v4.1: 5 of 1,612,092 alleles (0.00031%); highest among the groups gnomAD compares: Non-Finnish European, 0.00034%; no homozygotes.

Submissions (2):

CeGaT Center for Human Genetics Tuebingen
Classification: Likely benign. Last evaluated: 2026-07-01. Review status: criteria provided, single submitter. Criteria: CeGaT Center For Human Genetics Tuebingen Variant Classification Criteria Version 2. Collection method: clinical testing. Allele origin: germline. Affected: yes. Observed: 1 variant allele.
Comment: MTFMT: BP4

Ambry Genetics
Classification: Uncertain significance for Inborn genetic diseases. Last evaluated: 2025-12-09. Review status: criteria provided, single submitter. Criteria: Ambry Variant Classification Scheme 2023. Collection method: clinical testing. Allele origin: germline.